The following is an entry in ClinVar:

NM_001267550.2(TTN):c.64735_64736del (p.Leu21579fs)

Genes: TTN (titin; minus strand), TTN-AS1 (TTN antisense RNA 1; plus strand). Cytogenetic location: 2q31.2.
Variant type: Deletion.
Coding change: c.64735_64736del on transcript NM_001267550.2 (MANE Select); coding-DNA positions 64735 to 64736, 2 bases deleted (CT; older notation c.64735_64736delCT).
Protein change: p.Leu21579fs; shifts the reading frame from leucine 21579.
Molecular consequence: frameshift variant. On other transcripts: non-coding transcript variant (1).
Genome position (GRCh38, 1-based): chr2:178,584,905-178,584,906, AG deleted on the plus strand (CT on the coding strand, the reverse complement: TTN is on the minus strand). VCF-style (leftmost placement, unchanged base first): chr2-178584904-CAG-C. GRCh37 (hg19) VCF-style: chr2-179449631-CAG-C.
Other names: c.59812_59813del, p.Leu19938fs (NM_001256850.1); c.37540_37541del, p.Leu12514fs (NM_003319.4); c.57031_57032del, p.Leu19011fs (NM_133378.4); c.37915_37916del, p.Leu12639fs (NM_133432.3); c.38116_38117del, p.Leu12706fs (NM_133437.4); short protein forms L12639fs, L12706fs, L19011fs, L21579fs, L12514fs, L19938fs.
Identifiers: ClinVar variation 4786273 (VCV004786273.1).

ClinVar aggregate classification (germline): Likely pathogenic (1 of 4 stars; one submission).

Conditions:
Autosomal recessive limb-girdle muscular dystrophy type 2J (LGMDR10). Also called: Limb-girdle muscular dystrophy, type 2J; MUSCULAR DYSTROPHY, LIMB-GIRDLE, AUTOSOMAL RECESSIVE 10. Identifiers: Orphanet 140922, MedGen C1837342, MONDO:0012127, OMIM 608807.
Dilated cardiomyopathy 1G (CMD1G). Identifiers: Orphanet 154, MedGen C1858763, MONDO:0011400, OMIM 604145.

Submission:

Labcorp Genetics (formerly Invitae), Labcorp
Classification: Likely pathogenic for Dilated cardiomyopathy 1G; Autosomal recessive limb-girdle muscular dystrophy type 2J. Last evaluated: 2025-10-01. Review status: criteria provided, single submitter. Criteria: Invitae Variant Classification Sherloc (09022015). Collection method: clinical testing. Allele origin: germline.
Comment: This sequence change creates a premature translational stop signal (p.Leu21579Valfs*12) in the TTN gene. While this is not anticipated to result in nonsense mediated decay, it is expected to create a truncated TTN protein. This variant is not present in population databases (gnomAD no frequency). This variant has not been reported in the literature in individuals affected with TTN-related conditions. This variant is located in the A band of TTN (PMID: 25589632). Truncating variants in this region are significantly overrepresented in patients affected with dilated cardiomyopathy (PMID: 25589632). Truncating variants in this region have also been reported in individuals affected with autosomal recessive centronuclear myopathy (PMID: 23975875). In summary, the currently available evidence indicates that the variant is pathogenic, but additional data are needed to prove that conclusively. Therefore, this variant has been classified as Likely Pathogenic.

Literature cited by the submitters: PubMed 25589632; PubMed 23975875.